The following is an entry in ClinVar:

ClinVar aggregate classification (germline): Uncertain significance (1 of 4 stars; one submission).

Allele frequency attached by ClinVar (database versions not stated): gnomAD exomes 0.00001; ExAC 0.00004.
gnomAD v4.1: 8 of 1,613,784 alleles (0.0005%); highest among the groups gnomAD compares: Admixed American, 0.012%; no homozygotes.

Submission:

Labcorp Genetics (formerly Invitae), Labcorp
Classification: Uncertain significance. Last evaluated: 2022-07-12. Review status: criteria provided, single submitter. Criteria: Invitae Variant Classification Sherloc (09022015). Collection method: clinical testing. Allele origin: germline.
Comment: This variant is present in population databases (rs770229633, gnomAD 0.02%). This sequence change replaces glycine, which is neutral and non-polar, with valine, which is neutral and non-polar, at codon 460 of the MAP3K8 protein (p.Gly460Val). In summary, the available evidence is currently insufficient to determine the role of this variant in disease. Therefore, it has been classified as a Variant of Uncertain Significance. Algorithms developed to predict the effect of sequence changes on RNA splicing suggest that this variant may create or strengthen a splice site. Algorithms developed to predict the effect of missense changes on protein structure and function are either unavailable or do not agree on the potential impact of this missense change (SIFT: "Deleterious"; PolyPhen-2: "Possibly Damaging"; Align-GVGD: "Class C0"). This variant has not been reported in the literature in individuals affected with MAP3K8-related conditions.

NM_005204.4(MAP3K8):c.1379G>T (p.Gly460Val)

Gene: MAP3K8 (mitogen-activated protein kinase kinase kinase 8; plus strand). Cytogenetic location: 10p11.23.
Variant type: single nucleotide variant.
Coding change: c.1379G>T on transcript NM_005204.4 (MANE Select); coding-DNA position 1379, G replaced by T.
Protein change: p.Gly460Val; replaces glycine 460 with valine.
Molecular consequence: missense variant.
Genome position (GRCh38, 1-based): chr10:30,460,811, G>T. VCF-style: chr10-30460811-G-T. GRCh37 (hg19) VCF-style: chr10-30749740-G-T.
Other names: c.1379G>T, p.Gly460Val (NM_001244134.1, NM_001320961.2); short protein forms G460V.
Identifiers: ClinVar variation 1957364 (VCV001957364.5), dbSNP rs770229633, ClinGen allele CA5459939.